The following is an entry in ClinVar:

ClinVar aggregate classification (germline): Benign. Review status: criteria provided, multiple submitters, no conflicts (2 of 4 stars). 4 submissions from 4 submitters: Benign (4). Last evaluated 2026-02-02.

Conditions:
EEM syndrome (EEMS). Identifiers: Orphanet 1897, MedGen C1857041, MONDO:0009155, OMIM 225280.

Allele frequency attached by ClinVar (database versions not stated): gnomAD exomes 0.00689; ExAC 0.00871; gnomAD 0.02670 and 0.02870; 1000 Genomes Project 0.03055; TOPMed 0.03145; ESP Exome Variant Server 0.03201; 1000 Genomes Project 30x 0.03248.
gnomAD v4.1: 7,992 of 1,614,150 alleles (0.5%); highest among the groups gnomAD compares: African/African-American, 9.5%; 386 homozygotes.

Submissions (4):

Labcorp Genetics (formerly Invitae), Labcorp
Classification: Benign. Last evaluated: 2026-02-02. Review status: criteria provided, single submitter. Criteria: Invitae Variant Classification Sherloc (09022015). Collection method: clinical testing. Allele origin: germline.

GeneDx
Classification: Benign. Last evaluated: 2018-12-24. Review status: criteria provided, single submitter. Criteria: GeneDx Variant Classification Process June 2021. Collection method: clinical testing. Allele origin: germline. Affected: yes.

Illumina Laboratory Services, Illumina
Classification: Benign for EEM syndrome. Last evaluated: 2018-01-12. Review status: criteria provided, single submitter. Criteria: ICSL Variant Classification Criteria 13 December 2019. Collection method: clinical testing. Allele origin: germline.
Comment: This variant was observed in the ICSL laboratory as part of a predisposition screen in an ostensibly healthy population. It had not been previously curated by ICSL or reported in the Human Gene Mutation Database (HGMD: prior to June 1st, 2018), and was therefore a candidate for classification through an automated scoring system. Utilizing variant allele frequency, disease prevalence and penetrance estimates, and inheritance mode, an automated score was calculated to assess if this variant is too frequent to cause the disease. Based on the score and internal cut-off values, a variant classified as benign is not then subjected to further curation. The score for this variant resulted in a classification of benign for this disease.

Breakthrough Genomics
Classification: Benign. Review status: criteria provided, single submitter. Criteria: ACMG Guidelines, 2015. Collection method: not provided. Allele origin: germline. Inheritance: Autosomal recessive inheritance. Affected: yes.

NM_001793.6(CDH3):c.1257G>A (p.Lys419=)

Gene: CDH3 (cadherin 3; plus strand). Cytogenetic location: 16q22.1.
Variant type: single nucleotide variant.
Coding change: c.1257G>A on transcript NM_001793.6 (MANE Select); coding-DNA position 1257, G replaced by A.
Protein change: p.Lys419=; no amino-acid change (lysine 419 retained).
Molecular consequence: synonymous variant.
Genome position (GRCh38, 1-based): chr16:68,684,657, G>A. VCF-style: chr16-68684657-G-A. GRCh37 (hg19) VCF-style: chr16-68718560-G-A.
Other names: c.1257G>A, p.Lys419= (NM_001317195.3); c.1092G>A, p.Lys364= (NM_001317196.2).
Identifiers: ClinVar variation 320238 (VCV000320238.19), dbSNP rs11860187, ClinGen allele CA8129307.